The following is an entry in ClinVar:

NM_000211.5(ITGB2):c.*370G>T

Gene: ITGB2 (integrin subunit beta 2; minus strand). Cytogenetic location: 21q22.3.
Variant type: single nucleotide variant.
Coding change: c.*370G>T on transcript NM_000211.5 (MANE Select); 370 bases downstream of the stop codon, G replaced by T.
Molecular consequence: 3 prime UTR variant.
Genome position (GRCh38, 1-based): chr21:44,885,998, C>A on the plus strand (G>T on the coding strand, the complement: ITGB2 is on the minus strand). VCF-style: chr21-44885998-C-A. GRCh37 (hg19) VCF-style: chr21-46305913-C-A.
Other names: c.*370G>T (NM_001127491.3, NM_001303238.2).
Identifiers: ClinVar variation 895891 (VCV000895891.4), dbSNP rs117989670, ClinGen allele CA321890197.

ClinVar aggregate classification (germline): Benign (1 of 4 stars; one submission).

Conditions:
Leukocyte adhesion deficiency 1 (LAD1). Also called: LAD 1; Lymphocyte function-associated antigen 1 immunodeficiency; LFA 1 immunodeficiency; LEUKOCYTE ADHESION DEFICIENCY, TYPE I. Identifiers: Orphanet 2968, Orphanet 99842, MedGen C0398738, MONDO:0007293, OMIM 116920.

Allele frequency attached by ClinVar (database versions not stated): 1000 Genomes Project 0.00379; 1000 Genomes Project 30x 0.00453; TOPMed 0.01099.
gnomAD v4.1: 3,655 of 330,750 alleles (1.1%); highest among the groups gnomAD compares: Non-Finnish European, 1.6%; 35 homozygotes.

Submission:

Illumina Laboratory Services, Illumina
Classification: Benign for Leukocyte adhesion deficiency 1. Last evaluated: 2017-04-27. Review status: criteria provided, single submitter. Criteria: ICSL Variant Classification Criteria 13 December 2019. Collection method: clinical testing. Allele origin: germline.
Comment: This variant was observed as part of a predisposition screen in an ostensibly healthy population. A literature search was performed for the gene, cDNA change, and amino acid change (where applicable). Publications were found based on this search. The evidence from the literature, in combination with allele frequency data from public databases where available, was sufficient to rule this variant out of causing disease. Therefore, this variant is classified as benign.

Literature cited by the submitters: PubMed 18675632.